The following is an entry in ClinVar:

ClinVar aggregate classification (germline): Likely benign. Review status: criteria provided, single submitter (1 of 4 stars). 3 submissions from 3 submitters: Likely benign (1). 2 of the submissions do not count toward it. Last evaluated 2023-12-27.

Conditions:
Autosomal recessive polycystic kidney disease (ARPKD). Also called: AR polycystic kidney disease. Identifiers: Orphanet 731, Orphanet 8378, MedGen C0085548, MeSH D017044, MONDO:0009889.
PKHD1-related disorder. Also called: PKHD1-related condition.

Allele frequency attached by ClinVar (database versions not stated): gnomAD exomes 0.00001; ExAC 0.00002.
gnomAD v4.1: 11 of 1,611,058 alleles (0.00068%); highest among the groups gnomAD compares: Non-Finnish European, 0.00093%; no homozygotes.

Submissions (3):

Labcorp Genetics (formerly Invitae), Labcorp
Classification: Likely benign for Autosomal recessive polycystic kidney disease. Last evaluated: 2023-12-27. Review status: criteria provided, single submitter. Criteria: Invitae Variant Classification Sherloc (09022015). Collection method: clinical testing. Allele origin: germline.

PreventionGenetics, part of Exact Sciences
Classification: Likely benign for PKHD1-related condition. Last evaluated: 2022-09-28. Review status: no assertion criteria provided. Collection method: clinical testing. Allele origin: germline. Not counted in ClinVar's aggregate classification.
Comment: This variant is classified as likely benign based on ACMG/AMP sequence variant interpretation guidelines (Richards et al. 2015 PMID: 25741868, with internal and published modifications).

Natera, Inc.
Classification: Likely benign for Autosomal recessive polycystic kidney disease. Last evaluated: 2019-04-17. Review status: no assertion criteria provided. Collection method: clinical testing. Allele origin: germline. Not counted in ClinVar's aggregate classification.

NM_138694.4(PKHD1):c.6351A>G (p.Thr2117=)

Gene: PKHD1 (PKHD1 ciliary IPT domain containing fibrocystin/polyductin; minus strand). Cytogenetic location: 6p12.2.
Variant type: single nucleotide variant.
Coding change: c.6351A>G on transcript NM_138694.4 (MANE Select); coding-DNA position 6351, A replaced by G.
Protein change: p.Thr2117=; no amino-acid change (threonine 2117 retained).
Molecular consequence: synonymous variant.
Genome position (GRCh38, 1-based): chr6:51,911,938, T>C on the plus strand (A>G on the coding strand, the complement: PKHD1 is on the minus strand). VCF-style: chr6-51911938-T-C. GRCh37 (hg19) VCF-style: chr6-51776736-T-C.
Other names: c.6351A>G, p.Thr2117= (NM_170724.3); c.6351A>G (NM_138694.3).
Identifiers: ClinVar variation 1136371 (VCV001136371.16), dbSNP rs766729223, ClinGen allele CA3852273.